The following is an entry in ClinVar:

ClinVar aggregate classification (germline): Uncertain significance (1 of 4 stars; one submission).

Submission:

Labcorp Genetics (formerly Invitae), Labcorp
Classification: Uncertain significance. Last evaluated: 2025-07-02. Review status: criteria provided, single submitter. Criteria: Invitae Variant Classification Sherloc (09022015). Collection method: clinical testing. Allele origin: germline.
Comment: This sequence change replaces glutamic acid, which is acidic and polar, with glycine, which is neutral and non-polar, at codon 351 of the DLL3 protein (p.Glu351Gly). This variant is not present in population databases (gnomAD no frequency). This variant has not been reported in the literature in individuals affected with DLL3-related conditions. An algorithm developed to predict the effect of missense changes on protein structure and function (PolyPhen-2) suggests that this variant is likely to be disruptive. In summary, the available evidence is currently insufficient to determine the role of this variant in disease. Therefore, it has been classified as a Variant of Uncertain Significance.

NM_203486.3(DLL3):c.1052A>G (p.Glu351Gly)

Gene: DLL3 (delta like canonical Notch ligand 3; plus strand). Cytogenetic location: 19q13.2.
Variant type: single nucleotide variant.
Coding change: c.1052A>G on transcript NM_203486.3 (MANE Select); coding-DNA position 1052, A replaced by G.
Protein change: p.Glu351Gly; replaces glutamic acid 351 with glycine.
Molecular consequence: missense variant.
Genome position (GRCh38, 1-based): chr19:39,505,410, A>G. VCF-style: chr19-39505410-A-G. GRCh37 (hg19) VCF-style: chr19-39996050-A-G.
Other names: c.1052A>G, p.Glu351Gly (NM_016941.4); short protein forms E351G.
Identifiers: ClinVar variation 4766101 (VCV004766101.1).